The following is an entry in ClinVar:

ClinVar aggregate classification (germline): Uncertain significance (1 of 4 stars; one submission).

Submission:

Labcorp Genetics (formerly Invitae), Labcorp
Classification: Uncertain significance. Last evaluated: 2019-12-26. Review status: criteria provided, single submitter. Criteria: Invitae Variant Classification Sherloc (09022015). Collection method: clinical testing. Allele origin: germline.
Comment: This variant results in a copy number gain of the genomic region encompassing the full coding sequence of the CNGA1 gene. The boundaries of this event are unknown as they extend beyond the assayed region for this gene and therefore may encompass additional genes. As the precise location of this event is unknown, it may be in tandem or it may be located elsewhere in the genome. This variant has not been reported in the literature in individuals with CNGA1-related conditions. In summary, the available evidence is currently insufficient to determine the role of this variant in disease. Therefore, it has been classified as a Variant of Uncertain Significance.

NC_000004.12:g.(?_47936421)_(48030176_?)dup

Genes: CNGA1 (cyclic nucleotide gated channel subunit alpha 1; minus strand), NIPAL1 (NIPA like domain containing 1; plus strand). Cytogenetic location: 4p12.
Variant type: Duplication.
Identifiers: ClinVar variation 832548 (VCV000832548.1).